The following is an entry in ClinVar:

ClinVar aggregate classification (germline): Uncertain significance (1 of 4 stars; one submission).

gnomAD v4.1: 6 of 1,563,650 alleles (0.00038%); highest among the groups gnomAD compares: East Asian, 0.0024%; no homozygotes.

Submission:

Labcorp Genetics (formerly Invitae), Labcorp
Classification: Uncertain significance. Last evaluated: 2022-06-01. Review status: criteria provided, single submitter. Criteria: Invitae Variant Classification Sherloc (09022015). Collection method: clinical testing. Allele origin: germline.
Comment: This variant has not been reported in the literature in individuals affected with SOX11-related conditions. In summary, the available evidence is currently insufficient to determine the role of this variant in disease. Therefore, it has been classified as a Variant of Uncertain Significance. This variant is not present in population databases (gnomAD no frequency). This sequence change affects codon 280 of the SOX11 mRNA. It is a 'silent' change, meaning that it does not change the encoded amino acid sequence of the SOX11 protein.

NM_003108.4(SOX11):c.840G>T (p.Thr280=)

Gene: SOX11 (SRY-box transcription factor 11; plus strand). Cytogenetic location: 2p25.2.
Variant type: single nucleotide variant.
Coding change: c.840G>T on transcript NM_003108.4 (MANE Select); coding-DNA position 840, G replaced by T.
Protein change: p.Thr280=; no amino-acid change (threonine 280 retained).
Molecular consequence: synonymous variant.
Genome position (GRCh38, 1-based): chr2:5,693,561, G>T. VCF-style: chr2-5693561-G-T. GRCh37 (hg19) VCF-style: chr2-5833693-G-T.
Identifiers: ClinVar variation 2132412 (VCV002132412.4), dbSNP rs766602101, ClinGen allele CA424763392.